The following is an entry in ClinVar:

ClinVar aggregate classification (germline): Uncertain significance (1 of 4 stars; one submission).

Conditions:
Hereditary pancreatitis (PCTT). Also called: Hereditary chronic pancreatitis; PRSS1-Related Hereditary Pancreatitis. Identifiers: Orphanet 676, MedGen C0238339, MONDO:0008185, OMIM 167800.

Submission:

Ambry Genetics
Classification: Uncertain significance for Hereditary pancreatitis. Last evaluated: 2026-01-19. Review status: criteria provided, single submitter. Criteria: Ambry Variant Classification Scheme 2023. Collection method: clinical testing. Allele origin: germline.
Comment: The p.T384S variant (also known as c.1150A>T), located in coding exon 10 of the CPA1 gene, results from an A to T substitution at nucleotide position 1150. The threonine at codon 384 is replaced by serine, an amino acid with similar properties. This amino acid position is conserved. In addition, this alteration is predicted to be tolerated by in silico analysis. Based on the available evidence, the clinical significance of this variant remains unclear.

NM_001868.4(CPA1):c.1150A>T (p.Thr384Ser)

Gene: CPA1 (carboxypeptidase A1; plus strand). Cytogenetic location: 7q32.2.
Variant type: single nucleotide variant.
Coding change: c.1150A>T on transcript NM_001868.4 (MANE Select); coding-DNA position 1150, A replaced by T.
Protein change: p.Thr384Ser; replaces threonine 384 with serine.
Molecular consequence: missense variant.
Genome position (GRCh38, 1-based): chr7:130,387,901, A>T. VCF-style: chr7-130387901-A-T. GRCh37 (hg19) VCF-style: chr7-130027742-A-T.
Other names: short protein forms T384S.
Identifiers: ClinVar variation 4843260 (VCV004843260.1).